The following is an entry in ClinVar:

NM_005120.3(MED12):c.3647T>C (p.Val1216Ala)

Gene: MED12 (mediator complex subunit 12; plus strand). Cytogenetic location: Xq13.1.
Variant type: single nucleotide variant.
Coding change: c.3647T>C on transcript NM_005120.3 (MANE Select); coding-DNA position 3647, T replaced by C.
Protein change: p.Val1216Ala; replaces valine 1216 with alanine.
Molecular consequence: missense variant.
Genome position (GRCh38, 1-based): chrX:71,129,385, T>C. VCF-style: chrX-71129385-T-C. GRCh37 (hg19) VCF-style: chrX-70349235-T-C.
Other names: short protein forms V1216A.
Identifiers: ClinVar variation 1305106 (VCV001305106.2), dbSNP rs2147805932, ClinGen allele CA413520324.

ClinVar aggregate classification (germline): Uncertain significance (1 of 4 stars; one submission).

Submission:

GeneDx
Classification: Uncertain significance. Last evaluated: 2020-06-30. Review status: criteria provided, single submitter. Criteria: GeneDx Variant Classification Process June 2021. Collection method: clinical testing. Allele origin: germline. Affected: yes.
Comment: Not observed in large population cohorts (Lek et al., 2016); In silico analysis, which includes protein predictors and evolutionary conservation, supports that this variant does not alter protein structure/function; Has not been previously published as pathogenic or benign to our knowledge